The following is an entry in ClinVar:

ClinVar aggregate classification (germline): Uncertain significance (1 of 4 stars; one submission).

Submission:

GeneDx
Classification: Uncertain significance. Last evaluated: 2023-06-24. Review status: criteria provided, single submitter. Criteria: GeneDx Variant Classification Process June 2021. Collection method: clinical testing. Allele origin: germline. Affected: yes.
Comment: Not observed at significant frequency in large population cohorts (gnomAD); In silico analysis supports that this missense variant does not alter protein structure/function; Has not been previously published as pathogenic or benign to our knowledge

NM_006015.6(ARID1A):c.3062A>G (p.Lys1021Arg)

Gene: ARID1A (AT-rich interaction domain 1A; plus strand). Cytogenetic location: 1p36.11.
Variant type: single nucleotide variant.
Coding change: c.3062A>G on transcript NM_006015.6 (MANE Select); coding-DNA position 3062, A replaced by G.
Protein change: p.Lys1021Arg; replaces lysine 1021 with arginine.
Molecular consequence: missense variant.
Genome position (GRCh38, 1-based): chr1:26,767,863, A>G. VCF-style: chr1-26767863-A-G. GRCh37 (hg19) VCF-style: chr1-27094354-A-G.
Other names: c.3062A>G, p.Lys1021Arg (NM_139135.4); short protein forms K1021R.
Identifiers: ClinVar variation 2572761 (VCV002572761.1), dbSNP rs2124086597, ClinGen allele CA339163127.
Genomic context (GRCh38, chr1:26,767,863, plus strand): 5'-CTACTACAACCAATGAGAAGATCACCAAGTTGTATGAGCTGGGTGGTGAGCCTGAGAGGA[A>G]GATGTGGGTGGACCGTTATCTGGCCTTCACTGAGGAGAAGGCCATGGGCATGACAAATCT-3'
Protein context (NP_006006.3, residues 1011-1031): LYELGGEPER[Lys1021Arg]MWVDRYLAFT